The following is an entry in ClinVar:

NM_001365276.2(TNXB):c.7372G>A (p.Gly2458Arg)

Gene: TNXB (tenascin XB; minus strand). Cytogenetic location: 6p21.33.
Variant type: single nucleotide variant.
Coding change: c.7372G>A on transcript NM_001365276.2 (MANE Select); coding-DNA position 7372, G replaced by A.
Protein change: p.Gly2458Arg; replaces glycine 2458 with arginine.
Molecular consequence: missense variant.
Genome position (GRCh38, 1-based): chr6:32,061,517, C>T on the plus strand (G>A on the coding strand, the complement: TNXB is on the minus strand). VCF-style: chr6-32061517-C-T. GRCh37 (hg19) VCF-style: chr6-32029294-C-T.
Other names: c.7372G>A, p.Gly2458Arg (NM_019105.8); short protein forms G2458R.
Identifiers: ClinVar variation 1758576 (VCV001758576.5), dbSNP rs751515333, ClinGen allele CA3734173.
Genomic context (GRCh38, chr6:32,061,517, plus strand): 5'-GCATCTTGTATTTGCGCCCAGGCTCCAGGCCCCCCACGGTGACCTCGCTCTCCTCGCCCC[C>T]AACACGCACCACCTGGGGCCGCCCGTCCCTGTCCTTGTACTGCACGGTGAAGGAGTCGAA-3'
Protein context (NP_001352205.1, residues 2448-2468): RDGRPQVVRV[Gly2458Arg]GEESEVTVGG

ClinVar aggregate classification (germline): Uncertain significance. Review status: criteria provided, multiple submitters, no conflicts (2 of 4 stars). 3 submissions from 3 submitters: Uncertain significance (3). Last evaluated 2025-11-26.

Conditions:
Cardiovascular phenotype. Identifiers: MedGen CN230736.

Allele frequency attached by ClinVar (database versions not stated): gnomAD 0.00001; TOPMed 0.00002; ExAC 0.00004; gnomAD exomes 0.00005.
gnomAD v4.1: 70 of 1,613,604 alleles (0.0043%); highest among the groups gnomAD compares: Non-Finnish European, 0.0056%; no homozygotes.

Submissions (3):

Women's Health and Genetics/Laboratory Corporation of America, LabCorp
Classification: Uncertain significance. Last evaluated: 2025-11-26. Review status: criteria provided, single submitter. Criteria: LabCorp Variant Classification Summary - May 2015. Collection method: clinical testing. Allele origin: germline.
Comment: Variant summary: TNXB c.7372G>A (p.Gly2458Arg) results in a non-conservative amino acid change in the encoded protein sequence. Algorithms developed to predict the effect of missense changes on protein structure and function are either unavailable or do not agree on the potential impact of this missense change. The variant allele was found at a frequency of 2.4e-05 in 248000 control chromosomes. The available data on variant occurrences in the general population are insufficient to allow any conclusion about variant significance. To our knowledge, no occurrence of c.7372G>A in individuals affected with TNXB-related conditions and no experimental evidence demonstrating its impact on protein function have been reported. ClinVar contains an entry for this variant (Variation ID: 1758576). Based on the evidence outlined above, the variant was classified as uncertain significance.

Ambry Genetics
Classification: Uncertain significance for Cardiovascular phenotype. Last evaluated: 2025-03-28. Review status: criteria provided, single submitter. Criteria: Ambry Variant Classification Scheme 2023. Collection method: clinical testing. Allele origin: germline.

GeneDx
Classification: Uncertain significance. Last evaluated: 2022-06-17. Review status: criteria provided, single submitter. Criteria: GeneDx Variant Classification Process June 2021. Collection method: clinical testing. Allele origin: germline. Affected: yes.
Comment: Has not been previously published as pathogenic or benign to our knowledge; In silico analysis supports that this missense variant does not alter protein structure/function